The following is an entry in ClinVar:

NM_000038.6(APC):c.6426_6428del (p.Ser2143del)

Gene: APC (APC regulator of Wnt signaling pathway; plus strand). Cytogenetic location: 5q22.2.
Variant type: Deletion.
Coding change: c.6426_6428del on transcript NM_000038.6 (MANE Select); coding-DNA positions 6426 to 6428, 3 bases deleted (CTC; older notation c.6426_6428delCTC).
Protein change: p.Ser2143del; deletes serine 2143.
Molecular consequence: inframe deletion. On other transcripts: inframe indel (20).
Genome position (GRCh38, 1-based): chr5:112,842,020-112,842,022, CTC deleted. VCF-style (leftmost placement, unchanged base first): chr5-112842019-TCTC-T. GRCh37 (hg19) VCF-style: chr5-112177716-TCTC-T.
Other names: c.6426_6428del, p.Ser2143del (NM_001127510.3, NM_001354895.2); c.6372_6374del, p.Ser2125del (NM_001127511.3); c.6480_6482del, p.Ser2161del (NM_001354896.2); c.6456_6458del, p.Ser2153del (NM_001354897.2); c.6351_6353del, p.Ser2118del (NM_001354898.2); c.6342_6344del, p.Ser2115del (NM_001354899.2); c.6303_6305del, p.Ser2102del (NM_001354900.2); c.6249_6251del, p.Ser2084del (NM_001354901.2); and 16 more; short protein forms S1860del, S2052del, S2118del, S2014del, S2084del, S2115del, S2136del, S2143del.
Identifiers: ClinVar variation 2113182 (VCV002113182.4), dbSNP rs2533713563, ClinGen allele CA2580072336.

ClinVar aggregate classification (germline): Uncertain significance (1 of 4 stars; one submission).

Conditions:
Familial adenomatous polyposis 1 (FAP1). Also called: FAMILIAL ADENOMATOUS POLYPOSIS 1, ATTENUATED; POLYPOSIS, ADENOMATOUS INTESTINAL. Identifiers: MedGen C2713442, MONDO:0021056, OMIM 175100. Disease mechanism: loss of function.

Submission:

Labcorp Genetics (formerly Invitae), Labcorp
Classification: Uncertain significance for Familial adenomatous polyposis 1. Last evaluated: 2022-03-17. Review status: criteria provided, single submitter. Criteria: Invitae Variant Classification Sherloc (09022015). Collection method: clinical testing. Allele origin: germline.
Comment: Experimental studies and prediction algorithms are not available or were not evaluated, and the functional significance of this variant is currently unknown. In summary, the available evidence is currently insufficient to determine the role of this variant in disease. Therefore, it has been classified as a Variant of Uncertain Significance. This variant has not been reported in the literature in individuals affected with APC-related conditions. This variant is not present in population databases (gnomAD no frequency). This variant, c.6426_6428del, results in the deletion of 1 amino acid(s) of the APC protein (p.Ser2143del), but otherwise preserves the integrity of the reading frame.